The following is an entry in ClinVar:

ClinVar aggregate classification (germline): Likely benign. Review status: criteria provided, multiple submitters, no conflicts (2 of 4 stars). 4 submissions from 4 submitters: Likely benign (4). Last evaluated 2024-03-28.

Conditions:
Familial thoracic aortic aneurysm and aortic dissection (TAAD). Also called: Thoracic aortic aneurysms and dissections. Identifiers: Orphanet 91387, MedGen C4707243, MONDO:0019625.
Loeys-Dietz syndrome 2 (LDS2). Also called: Marfan Syndrome type 2; Marfan like connective tissue disorder; MFS 2; Marfan syndrome, type 2 (formerly); AORTIC ANEURYSM, FAMILIAL THORACIC 3; MARFAN SYNDROME, TYPE II. Identifiers: Orphanet 284973, Orphanet 558, MedGen C2674574, MONDO:0012427, OMIM 610168.

Allele frequency attached by ClinVar (database versions not stated): gnomAD exomes below 0.00001; ExAC 0.00001; gnomAD 0.00001.
gnomAD v4.1: 3 of 1,614,092 alleles (0.00019%); highest among the groups gnomAD compares: African/African-American, 0.0013%; no homozygotes.

Submissions (4):

Labcorp Genetics (formerly Invitae), Labcorp
Classification: Likely benign for Familial thoracic aortic aneurysm and aortic dissection. Last evaluated: 2024-03-28. Review status: criteria provided, single submitter. Criteria: Invitae Variant Classification Sherloc (09022015). Collection method: clinical testing. Allele origin: germline.

All of Us Research Program, National Institutes of Health
Classification: Likely benign for Loeys-Dietz syndrome 2. Last evaluated: 2023-05-04. Review status: criteria provided, single submitter. Criteria: ACMG Guidelines, 2015. Collection method: clinical testing. Allele origin: germline. Inheritance: Autosomal dominant inheritance. Observed: 2 variant alleles, 2 heterozygotes.
Comment: This study involves interpretation of variants in research participants for the purpose of population health screening. Participant phenotype was not available at the time of variant classification. Additional details can be found in publication PMID: 35346344, PMCID: PMC8962531

Color Diagnostics, LLC DBA Color Health
Classification: Likely benign for Familial thoracic aortic aneurysm and aortic dissection. Last evaluated: 2019-09-30. Review status: criteria provided, single submitter. Criteria: ACMG Guidelines, 2015. Collection method: clinical testing. Allele origin: germline.

GeneDx
Classification: Likely benign. Last evaluated: 2017-01-25. Review status: criteria provided, single submitter. Criteria: GeneDx Variant Classification (06012015). Collection method: clinical testing. Allele origin: germline. Affected: yes.
Comment: This variant is considered likely benign or benign based on one or more of the following criteria: it is a conservative change, it occurs at a poorly conserved position in the protein, it is predicted to be benign by multiple in silico algorithms, and/or has population frequency not consistent with disease.

NM_003242.6(TGFBR2):c.933G>A (p.Glu311=)

Gene: TGFBR2 (transforming growth factor beta receptor 2; plus strand). Cytogenetic location: 3p24.1.
Variant type: single nucleotide variant.
Coding change: c.933G>A on transcript NM_003242.6 (MANE Select); coding-DNA position 933, G replaced by A.
Protein change: p.Glu311=; no amino-acid change (glutamic acid 311 retained).
Molecular consequence: synonymous variant. On other transcripts: intron variant (1).
Genome position (GRCh38, 1-based): chr3:30,672,116, G>A. VCF-style: chr3-30672116-G-A. GRCh37 (hg19) VCF-style: chr3-30713608-G-A.
Other names: c.1008G>A, p.Glu336= (NM_001024847.3); c.1116G>A, p.Glu372= (NM_001407126.1); c.1041G>A, p.Glu347= (NM_001407127.1); c.960G>A, p.Glu320= (NM_001407128.1); c.936G>A, p.Glu312= (NM_001407129.1); c.933G>A, p.Glu311= (NM_001407130.1); c.828G>A, p.Glu276= (NM_001407132.1, NM_001407133.1, NM_001407134.1 and 2 more transcripts); c.648G>A, p.Glu216= (NM_001407137.1); and 2 more.
Identifiers: ClinVar variation 506978 (VCV000506978.10), dbSNP rs754003334, ClinGen allele CA050230.